The following is an entry in ClinVar:

NM_025216.3(WNT10A):c.1176C>A (p.Cys392Ter)

Gene: WNT10A (Wnt family member 10A; plus strand). Cytogenetic location: 2q35.
Variant type: single nucleotide variant.
Coding change: c.1176C>A on transcript NM_025216.3 (MANE Select); coding-DNA position 1176, C replaced by A.
Protein change: p.Cys392Ter; replaces cysteine 392 with a stop codon.
Molecular consequence: nonsense.
Genome position (GRCh38, 1-based): chr2:218,893,193, C>A. VCF-style: chr2-218893193-C-A. GRCh37 (hg19) VCF-style: chr2-219757915-C-A.
Other names: (p.Cys392*); short protein forms C392*.
Identifiers: ClinVar variation 559391 (VCV000559391.2), dbSNP rs1553623389, ClinGen allele CA350592246.

ClinVar aggregate classification (germline): Likely pathogenic. Review status: criteria provided, single submitter (1 of 4 stars). 2 submissions from 2 submitters: Likely pathogenic (1). 1 of the submissions does not count toward it. Last evaluated 2025-09-09.

Conditions:
Odonto-onycho-dermal dysplasia. Identifiers: Orphanet 2721, MedGen C0796093, MONDO:0009773, OMIM 257980.
Schöpf-Schulz-Passarge syndrome. Also called: SchC6pf-Schulz-Passarge syndrome; ECCRINE TUMORS WITH ECTODERMAL DYSPLASIA; KERATOSIS PALMOPLANTARIS WITH CYSTIC EYELIDS, HYPODONTIA, AND HYPOTRICHOSIS. Identifiers: Orphanet 50944, MedGen C1857069, MONDO:0009145, OMIM 224750.

Submissions (2):

Natera, Inc.
Classification: Likely pathogenic for Schopf-Schulz-Passarge syndrome. Last evaluated: 2025-09-09. Review status: criteria provided, single submitter. Criteria: Natera Variant Classification Schema (03/2026). Collection method: clinical testing. Allele origin: germline.
Comment: The c.1176C>A variant in WNT10A is a nonsense variant predicted to introduce a stop codon at amino acid 392. This variant may result in a truncated or dysfunctional protein product. This variant is rare in the general population with a frequency below the threshold expected for the associated phenotype(s). This variant has been observed in one or more individuals affected with the associated recessive disease, as either homozygous or compound heterozygous with a second variant (PMID: 30569517). This variant has been identified in one or more affected individuals with a phenotype highly consistent with the associated gene (PMID: 30569517, 36553094). Given the available evidence, this variant is classified as Likely Pathogenic.

Department of Prosthodontics, Peking University School and Hospital of Stomatology
Classification: Pathogenic for Odontoonychodermal dysplasia. Last evaluated: 2018-06-04. Review status: no assertion criteria provided. Collection method: clinical testing. Allele origin: inherited. Affected: yes. Not counted in ClinVar's aggregate classification.

Literature cited by the submitters: PubMed 30569517 (cited by Natera, Inc.); PubMed 36553094 (cited by Natera, Inc.).